The following is an entry in ClinVar:

ClinVar aggregate classification (germline): Uncertain significance (1 of 4 stars; one submission).

Conditions:
Inborn genetic diseases. Identifiers: MedGen C0950123, MeSH D030342.

gnomAD v4.1: 10 of 1,614,194 alleles (0.00062%); highest among the groups gnomAD compares: Non-Finnish European, 0.00085%; no homozygotes.

Submission:

Ambry Genetics
Classification: Uncertain significance for Inborn genetic diseases. Last evaluated: 2025-04-12. Review status: criteria provided, single submitter. Criteria: Ambry Variant Classification Scheme 2023. Collection method: clinical testing. Allele origin: germline.
Comment: The p.T143P variant (also known as c.427A>C), located in coding exon 1 of the FANCM gene, results from an A to C substitution at nucleotide position 427. The threonine at codon 143 is replaced by proline, an amino acid with highly similar properties. This amino acid position is conserved. In addition, the in silico prediction for this alteration is inconclusive. Based on the available evidence, the clinical significance of this variant remains unclear.

NM_020937.4(FANCM):c.427A>C (p.Thr143Pro)

Gene: FANCM (FA complementation group M; plus strand). Cytogenetic location: 14q21.2.
Variant type: single nucleotide variant.
Coding change: c.427A>C on transcript NM_020937.4 (MANE Select); coding-DNA position 427, A replaced by C.
Protein change: p.Thr143Pro; replaces threonine 143 with proline.
Molecular consequence: missense variant.
Genome position (GRCh38, 1-based): chr14:45,136,458, A>C. VCF-style: chr14-45136458-A-C. GRCh37 (hg19) VCF-style: chr14-45605661-A-C.
Other names: c.427A>C, p.Thr143Pro (NM_001308133.2, NM_001308134.2); short protein forms T143P.
Identifiers: ClinVar variation 4022682 (VCV004022682.1).